The following is an entry in ClinVar:

ClinVar aggregate classification (germline): Conflicting classifications of pathogenicity. Review status: criteria provided, conflicting classifications (1 of 4 stars). 10 submissions from 10 submitters: Uncertain significance (1); Benign (1); Likely benign (8). Last evaluated 2025-10-19.

Conditions:
Osteogenesis imperfecta type I (OI1). Also called: OSTEOGENESIS IMPERFECTA WITH BLUE SCLERAE; Osteogenesis imperfecta type 1; Lobstein's Disease; OI, TYPE I; OSTEOGENESIS IMPERFECTA TARDA; Classic Non-deforming Osteogenesis Imperfecta with Blue Sclerae. Identifiers: Orphanet 216796, Orphanet 666, MedGen C0023931, MONDO:0008146, OMIM 166200. Disease mechanism: loss of function.
Osteogenesis imperfecta with normal sclerae, dominant form (OI4). Also called: OSTEOGENESIS IMPERFECTA WITH NORMAL SCLERAE; Osteogenesis imperfecta type 4; OSTEOGENESIS IMPERFECTA, TYPE IV, WITH DENTINOGENESIS IMPERFECTA; Common Variable Osteogenesis Imperfecta with Normal Sclerae; Osteogenesis Imperfecta Type IV. Identifiers: Orphanet 216820, Orphanet 666, MedGen C0268363, MONDO:0008148, OMIM 166220.
Osteogenesis imperfecta, perinatal lethal (OI2). Also called: VROLIK TYPE OF OSTEOGENESIS IMPERFECTA; OSTEOGENESIS IMPERFECTA, TYPE II; OI, TYPE II; OSTEOGENESIS IMPERFECTA CONGENITA; Osteogenesis imperfecta, dominant perinatal lethal; Osteogenesis imperfecta type 2. Identifiers: Orphanet 216804, MedGen C0268358, MONDO:0008147, OMIM 166210.
Osteogenesis imperfecta type III (OI3). Also called: Progressively Deforming Osteogenesis Imperfecta; Osteogenesis imperfecta type 3; OI type 3; Osteogenesis imperfecta, progressively deforming with normal sclerae; OI type III. Identifiers: Orphanet 216812, Orphanet 666, MedGen C0268362, MONDO:0009804, OMIM 259420.
Infantile cortical hyperostosis. Also called: Caffey Disease; P1PK BLOOD GROUP SYSTEM, P(2) PHENOTYPE; Hyperostosis, Cortical, Congenital. Identifiers: Orphanet 1310, MedGen C0020497, MONDO:0007244, OMIM 114000.
Ehlers-Danlos syndrome, arthrochalasia type. Also called: ARTHROCHALASIS MULTIPLEX CONGENITA; EDS VII, MUTANT PROCOLLAGEN TYPE; EDS VIIA; Ehlers-Danlos syndrome, arthrochalasia type, 1; Ehlers-Danlos syndrome, arthrochalasis type. Identifiers: Orphanet 1899, Orphanet 99875, Orphanet 99876, MedGen C4551623, MONDO:0007525, OMIM 130060.
Osteoporosis. Identifiers: MedGen C0029456, MONDO:0005298, OMIM 166710, HP:0000939.
Combined osteogenesis imperfecta and Ehlers-Danlos syndrome 1. Also called: OIEDS SYNDROME 1. Identifiers: MedGen C5436842, MONDO:0030854, OMIM 619115.
Osteogenesis imperfecta (OI). Identifiers: Orphanet 666, MedGen C0029434, MeSH D010013, MONDO:0019019.
COL1A1-related disorder. Also called: COL1A1- related disease; COL1A1-related condition.
Cardiovascular phenotype. Identifiers: MedGen CN230736.

Allele frequency attached by ClinVar (database versions not stated): ESP Exome Variant Server 0.00008; gnomAD exomes 0.00004 and 0.00007; ExAC 0.00005; gnomAD 0.00006; TOPMed 0.00005.
gnomAD v4.1: 123 of 1,614,056 alleles (0.0076%); highest among the groups gnomAD compares: African/African-American, 0.043%; no homozygotes.

Submissions (10):

Labcorp Genetics (formerly Invitae), Labcorp
Classification: Likely benign for Osteogenesis imperfecta type I. Last evaluated: 2025-10-19. Review status: criteria provided, single submitter. Criteria: Invitae Variant Classification Sherloc (09022015). Collection method: clinical testing. Allele origin: germline.

ARUP Laboratories, Molecular Genetics and Genomics, ARUP Laboratories
Classification: Likely benign. Last evaluated: 2025-07-24. Review status: criteria provided, single submitter. Criteria: ARUP Molecular Germline Variant Investigation Process 2024. Collection method: clinical testing. Allele origin: germline.

Molecular Diagnostic Laboratory for Inherited Cardiovascular Disease, Montreal Heart Institute
Classification: Likely benign. Last evaluated: 2025-04-09. Review status: criteria provided, single submitter. Criteria: ACMG Guidelines, 2015. Collection method: clinical testing. Allele origin: germline. Affected: no.

Women's Health and Genetics/Laboratory Corporation of America, LabCorp
Classification: Benign. Last evaluated: 2025-04-07. Review status: criteria provided, single submitter. Criteria: LabCorp Variant Classification Summary - May 2015. Collection method: clinical testing. Allele origin: germline.
Comment: Variant summary: COL1A1 c.1887C>T alters a conserved nucleotide resulting in a synonymous change. Several computational tools predict a significant impact on normal splicing: Four predict the variant creates a 5' donor site. However, these predictions have yet to be confirmed by functional studies. The variant allele was found at a frequency of 4e-05 in 251450 control chromosomes. The observed variant frequency is approximately 1.33 fold of the estimated maximal expected allele frequency for a pathogenic variant in COL1A1 causing Osteogenesis imperfecta type I phenotype (3e-05). To our knowledge, no occurrence of c.1887C>T in individuals affected with Osteogenesis imperfecta type I and no experimental evidence demonstrating its impact on protein function have been reported. ClinVar contains an entry for this variant (Variation ID: 517702). Based on the evidence outlined above, the variant was classified as benign.

PreventionGenetics, part of Exact Sciences
Classification: Likely benign for COL1A1-related condition. Last evaluated: 2024-12-30. Review status: criteria provided, single submitter. Criteria: ACMG Guidelines, 2015. Collection method: clinical testing. Allele origin: germline.
Comment: This variant is classified as likely benign based on ACMG/AMP sequence variant interpretation guidelines (Richards et al. 2015 PMID: 25741868, with internal and published modifications).

Blueprint Genetics
Classification: Likely benign. Last evaluated: 2024-10-30. Review status: criteria provided, single submitter. Criteria: ACMG Guidelines, 2015. Collection method: clinical testing. Allele origin: germline.

Ambry Genetics
Classification: Likely benign for Cardiovascular phenotype. Last evaluated: 2022-05-24. Review status: criteria provided, single submitter. Criteria: Ambry Variant Classification Scheme 2023. Collection method: clinical testing. Allele origin: germline.

Genome Diagnostics Laboratory, The Hospital for Sick Children
Classification: Uncertain significance for Osteogenesis imperfecta. Last evaluated: 2022-03-23. Review status: criteria provided, single submitter. Criteria: ACMG Guidelines, 2015. Collection method: clinical testing. Allele origin: germline.

Fulgent Genetics
Classification: Likely benign for Infantile cortical hyperostosis; Ehlers-Danlos syndrome, arthrochalasia type; Osteogenesis imperfecta type I; Osteogenesis imperfecta, perinatal lethal; Osteogenesis imperfecta with normal sclerae, dominant form; Osteoporosis; Osteogenesis imperfecta type III; Combined osteogenesis imperfecta and Ehlers-Danlos syndrome 1. Last evaluated: 2021-11-04. Review status: criteria provided, single submitter. Criteria: ACMG Guidelines, 2015. Collection method: clinical testing. Allele origin: unknown.

GeneDx
Classification: Likely benign. Last evaluated: 2017-12-22. Review status: criteria provided, single submitter. Criteria: GeneDx Variant Classification (06012015). Collection method: clinical testing. Allele origin: germline. Affected: yes.
Comment: This variant is considered likely benign or benign based on one or more of the following criteria: it is a conservative change, it occurs at a poorly conserved position in the protein, it is predicted to be benign by multiple in silico algorithms, and/or has population frequency not consistent with disease.

NM_000088.4(COL1A1):c.1887C>T (p.Gly629=)

Gene: COL1A1 (collagen type I alpha 1 chain; minus strand). Cytogenetic location: 17q21.33.
Variant type: single nucleotide variant.
Coding change: c.1887C>T on transcript NM_000088.4 (MANE Select); coding-DNA position 1887, C replaced by T.
Protein change: p.Gly629=; no amino-acid change (glycine 629 retained).
Molecular consequence: synonymous variant.
Genome position (GRCh38, 1-based): chr17:50,192,682, G>A on the plus strand (C>T on the coding strand, the complement: COL1A1 is on the minus strand). VCF-style: chr17-50192682-G-A. GRCh37 (hg19) VCF-style: chr17-48270043-G-A.
Identifiers: ClinVar variation 517702 (VCV000517702.22), dbSNP rs375695940, ClinGen allele CA8645023.